The following is an entry in ClinVar:

NM_015160.3(PMPCA):c.544G>A (p.Glu182Lys)

Genes: PMPCA (peptidase, mitochondrial processing subunit alpha; plus strand), LOC126860792 (CDK7 strongly-dependent group 2 enhancer GRCh37_chr9:139310410-139311609; plus strand). Cytogenetic location: 9q34.3.
Variant type: single nucleotide variant.
Coding change: c.544G>A on transcript NM_015160.3 (MANE Select); coding-DNA position 544, G replaced by A.
Protein change: p.Glu182Lys; replaces glutamic acid 182 with lysine.
Molecular consequence: missense variant.
Genome position (GRCh38, 1-based): chr9:136,416,302, G>A. VCF-style: chr9-136416302-G-A. GRCh37 (hg19) VCF-style: chr9-139310754-G-A.
Other names: c.151G>A, p.Glu51Lys (NM_001282944.2); c.244G>A, p.Glu82Lys (NM_001282946.2); short protein forms E182K, E82K, E51K.
Identifiers: ClinVar variation 452574 (VCV000452574.7), dbSNP rs868320996, ClinGen allele CA201624567.

ClinVar aggregate classification (germline): Uncertain significance. Review status: criteria provided, multiple submitters, no conflicts (2 of 4 stars). 2 submissions from 2 submitters: Uncertain significance (2). Last evaluated 2025-02-02.

Allele frequency attached by ClinVar (database versions not stated): gnomAD exomes below 0.00001; gnomAD 0.00001.
gnomAD v4.1: 8 of 1,613,322 alleles (0.0005%); highest among the groups gnomAD compares: Middle Eastern, 0.017%; no homozygotes.

Submissions (2):

Labcorp Genetics (formerly Invitae), Labcorp
Classification: Uncertain significance. Last evaluated: 2025-02-02. Review status: criteria provided, single submitter. Criteria: Invitae Variant Classification Sherloc (09022015). Collection method: clinical testing. Allele origin: germline.
Comment: This sequence change replaces glutamic acid, which is acidic and polar, with lysine, which is basic and polar, at codon 182 of the PMPCA protein (p.Glu182Lys). This variant is present in population databases (no rsID available, gnomAD 0.007%). This variant has not been reported in the literature in individuals affected with PMPCA-related conditions. ClinVar contains an entry for this variant (Variation ID: 452574). Invitae Evidence Modeling of protein sequence and biophysical properties (such as structural, functional, and spatial information, amino acid conservation, physicochemical variation, residue mobility, and thermodynamic stability) indicates that this missense variant is not expected to disrupt PMPCA protein function with a negative predictive value of 80%. In summary, the available evidence is currently insufficient to determine the role of this variant in disease. Therefore, it has been classified as a Variant of Uncertain Significance.

GeneDx
Classification: Uncertain significance. Last evaluated: 2017-10-06. Review status: criteria provided, single submitter. Criteria: GeneDx Variant Classification (06012015). Collection method: clinical testing. Allele origin: germline. Affected: yes.
Comment: The E182K variant in the PMPCA gene has not been reported previously as a pathogenic variant, nor as a benign variant, to our knowledge. The E182K variant is observed in 1/15004 (0.007%) alleles from individuals of non-Finnish European background in the ExAC dataset (Lek et al., 2016). The E182K variant is a non-conservative amino acid substitution, which is likely to impact secondary protein structure as these residues differ in polarity, charge, size and/or other properties. This substitution occurs at a position where amino acids with similar properties to Glutamic acid are tolerated across species. In silico analysis predicts this variant is probably damaging to the protein structure/function. We interpret E182K as a variant of uncertain significance.